The following is an entry in ClinVar:

ClinVar aggregate classification (germline): Likely benign. Review status: criteria provided, multiple submitters, no conflicts (2 of 4 stars). 5 submissions from 4 submitters: Likely benign (5). Last evaluated 2026-01-23.

Conditions:
Adams-Oliver syndrome 5 (AOS5). Identifiers: Orphanet 974, MedGen C4014970, MONDO:0014459, OMIM 616028.
Aortic valve disease 1 (AOVD1). Identifiers: MedGen C3887892, MONDO:0024523, OMIM 109730.

Allele frequency attached by ClinVar (database versions not stated): gnomAD 0.00006 and 0.00007; gnomAD exomes 0.00006 and 0.00010; ExAC 0.00007; TOPMed 0.00007; ESP Exome Variant Server 0.00015; 1000 Genomes Project 30x 0.00016; 1000 Genomes Project 0.00020.
gnomAD v4.1: 99 of 1,612,862 alleles (0.0061%); highest among the groups gnomAD compares: East Asian, 0.089%; 1 homozygote.

Submissions (5):

Labcorp Genetics (formerly Invitae), Labcorp
Classification: Likely benign for Adams-Oliver syndrome 5. Last evaluated: 2026-01-23. Review status: criteria provided, single submitter. Criteria: Invitae Variant Classification Sherloc (09022015). Collection method: clinical testing. Allele origin: germline.

Blueprint Genetics
Classification: Likely benign. Last evaluated: 2024-01-12. Review status: criteria provided, single submitter. Criteria: ACMG Guidelines, 2015. Collection method: clinical testing. Allele origin: germline.

Genome-Nilou Lab
Classification: Likely benign for Adams-Oliver syndrome 5. Last evaluated: 2022-03-15. Review status: criteria provided, single submitter. Criteria: ACMG Guidelines, 2015. Collection method: clinical testing. Allele origin: germline. Affected: no.

Genome-Nilou Lab
Classification: Likely benign for Aortic valve disease 1. Last evaluated: 2022-03-15. Review status: criteria provided, single submitter. Criteria: ACMG Guidelines, 2015. Collection method: clinical testing. Allele origin: germline. Affected: no.

GeneDx
Classification: Likely benign. Last evaluated: 2017-03-15. Review status: criteria provided, single submitter. Criteria: GeneDx Variant Classification (06012015). Collection method: clinical testing. Allele origin: germline. Affected: yes.
Comment: This variant is considered likely benign or benign based on one or more of the following criteria: it is a conservative change, it occurs at a poorly conserved position in the protein, it is predicted to be benign by multiple in silico algorithms, and/or has population frequency not consistent with disease.

NM_017617.5(NOTCH1):c.6082+18C>T

Genes: NOTCH1 (notch receptor 1; minus strand), LOC126860794 (BRD4-independent group 4 enhancer GRCh37_chr9:139392592-139393791; plus strand). Cytogenetic location: 9q34.3.
Variant type: single nucleotide variant.
Coding change: c.6082+18C>T on transcript NM_017617.5 (MANE Select); 18 bases into the intron after coding-DNA position 6082, C replaced by T.
Molecular consequence: intron variant.
Genome position (GRCh38, 1-based): chr9:136,499,094, G>A on the plus strand (C>T on the coding strand, the complement: NOTCH1 is on the minus strand). VCF-style: chr9-136499094-G-A. GRCh37 (hg19) VCF-style: chr9-139393546-G-A.
Other names: c.6082+18C>T (LRG_1122t1).
Identifiers: ClinVar variation 517796 (VCV000517796.11), dbSNP rs200956958, ClinGen allele CA5340042.